The following is an entry in ClinVar:

ClinVar aggregate classification (germline): Conflicting classifications of pathogenicity. Review status: criteria provided, conflicting classifications (1 of 4 stars). 2 submissions from 2 submitters: Uncertain significance (1); Likely benign (1). Last evaluated 2025-12-12.

Allele frequency attached by ClinVar (database versions not stated): gnomAD 0.00001; TOPMed 0.00004; ExAC 0.00007.
gnomAD v4.1: 26 of 1,613,712 alleles (0.0016%); highest among the groups gnomAD compares: Admixed American, 0.043%; no homozygotes.

Submissions (2):

Labcorp Genetics (formerly Invitae), Labcorp
Classification: Likely benign. Last evaluated: 2025-12-12. Review status: criteria provided, single submitter. Criteria: Invitae Variant Classification Sherloc (09022015). Collection method: clinical testing. Allele origin: germline.

Ambry Genetics
Classification: Uncertain significance. Last evaluated: 2024-12-24. Review status: criteria provided, single submitter. Criteria: Ambry Variant Classification Scheme 2023. Collection method: clinical testing. Allele origin: germline.
Comment: The p.D480V variant (also known as c.1439A>T), located in coding exon 15 of the SRP72 gene, results from an A to T substitution at nucleotide position 1439. The aspartic acid at codon 480 is replaced by valine, an amino acid with highly dissimilar properties. This amino acid position is conserved. In addition, this alteration is predicted to be deleterious by in silico analysis. Based on the available evidence, the clinical significance of this variant remains unclear.

NM_006947.4(SRP72):c.1439A>T (p.Asp480Val)

Gene: SRP72 (signal recognition particle 72; plus strand). Cytogenetic location: 4q12.
Variant type: single nucleotide variant.
Coding change: c.1439A>T on transcript NM_006947.4 (MANE Select); coding-DNA position 1439, A replaced by T.
Protein change: p.Asp480Val; replaces aspartic acid 480 with valine.
Molecular consequence: missense variant. On other transcripts: non-coding transcript variant (1).
Genome position (GRCh38, 1-based): chr4:56,490,582, A>T. VCF-style: chr4-56490582-A-T. GRCh37 (hg19) VCF-style: chr4-57356748-A-T.
Other names: c.1256A>T, p.Asp419Val (NM_001267722.2); c.1439A>T (NM_006947.3); short protein forms D419V, D480V.
Identifiers: ClinVar variation 1559050 (VCV001559050.10), dbSNP rs779777836, ClinGen allele CA2931368.